The following is an entry in ClinVar:

ClinVar aggregate classification (germline): Uncertain significance (1 of 4 stars; one submission).

Allele frequency attached by ClinVar (database versions not stated): gnomAD exomes below 0.00001 and 0.00001; ExAC 0.00001.
gnomAD v4.1: 4 of 1,607,540 alleles (0.00025%); highest among the groups gnomAD compares: East Asian, 0.0045%; no homozygotes.

Submission:

Labcorp Genetics (formerly Invitae), Labcorp
Classification: Uncertain significance. Last evaluated: 2024-08-12. Review status: criteria provided, single submitter. Criteria: Invitae Variant Classification Sherloc (09022015). Collection method: clinical testing. Allele origin: germline.
Comment: This sequence change replaces proline, which is neutral and non-polar, with alanine, which is neutral and non-polar, at codon 251 of the PROM1 protein (p.Pro251Ala). This variant is present in population databases (rs768744555, gnomAD 0.01%). This variant has not been reported in the literature in individuals affected with PROM1-related conditions. ClinVar contains an entry for this variant (Variation ID: 1349504). Advanced modeling of protein sequence and biophysical properties (such as structural, functional, and spatial information, amino acid conservation, physicochemical variation, residue mobility, and thermodynamic stability) performed at Invitae indicates that this missense variant is expected to disrupt PROM1 protein function with a positive predictive value of 80%. In summary, the available evidence is currently insufficient to determine the role of this variant in disease. Therefore, it has been classified as a Variant of Uncertain Significance.

NM_006017.3(PROM1):c.751C>G (p.Pro251Ala)

Gene: PROM1 (prominin 1; minus strand). Cytogenetic location: 4p15.32.
Variant type: single nucleotide variant.
Coding change: c.751C>G on transcript NM_006017.3 (MANE Select); coding-DNA position 751, C replaced by G.
Protein change: p.Pro251Ala; replaces proline 251 with alanine.
Molecular consequence: missense variant.
Genome position (GRCh38, 1-based): chr4:16,023,359, G>C on the plus strand (C>G on the coding strand, the complement: PROM1 is on the minus strand). VCF-style: chr4-16023359-G-C. GRCh37 (hg19) VCF-style: chr4-16024982-G-C.
Other names: c.724C>G, p.Pro242Ala (NM_001145847.2, NM_001145848.2, NM_001145851.2 and 4 more transcripts); c.751C>G, p.Pro251Ala (NM_001145849.2, NM_001145850.2); short protein forms P242A, P251A.
Identifiers: ClinVar variation 1349504 (VCV001349504.8), dbSNP rs768744555, ClinGen allele CA2866967.